The following is an entry in ClinVar:

ClinVar aggregate classification (germline): Uncertain significance (1 of 4 stars; one submission).

Conditions:
Cardiovascular phenotype. Identifiers: MedGen CN230736.

Submission:

Ambry Genetics
Classification: Uncertain significance for Cardiovascular phenotype. Last evaluated: 2026-05-14. Review status: criteria provided, single submitter. Criteria: Ambry Variant Classification Scheme 2023. Collection method: clinical testing. Allele origin: germline.
Comment: The p.S376C variant (also known as c.1127C>G), located in coding exon 8 of the CBL gene, results from a C to G substitution at nucleotide position 1127. The serine at codon 376 is replaced by cysteine, an amino acid with dissimilar properties. This amino acid position is conserved. In addition, this alteration is predicted to be deleterious by in silico analysis. Based on the available evidence, the clinical significance of this variant remains unclear.

NM_005188.4(CBL):c.1127C>G (p.Ser376Cys)

Gene: CBL (Cbl proto-oncogene; plus strand). Cytogenetic location: 11q23.3.
Variant type: single nucleotide variant.
Coding change: c.1127C>G on transcript NM_005188.4 (MANE Select); coding-DNA position 1127, C replaced by G.
Protein change: p.Ser376Cys; replaces serine 376 with cysteine.
Molecular consequence: missense variant.
Genome position (GRCh38, 1-based): chr11:119,278,197, C>G. VCF-style: chr11-119278197-C-G. GRCh37 (hg19) VCF-style: chr11-119148907-C-G.
Other names: short protein forms S376C.
Identifiers: ClinVar variation 4868254 (VCV004868254.1).